The following is an entry in ClinVar:

NM_032242.4(PLXNA1):c.822C>T (p.Gly274=)

Gene: PLXNA1 (plexin A1; plus strand). Cytogenetic location: 3q21.3.
Variant type: single nucleotide variant.
Coding change: c.822C>T on transcript NM_032242.4 (MANE Select); coding-DNA position 822, C replaced by T.
Protein change: p.Gly274=; no amino-acid change (glycine 274 retained).
Molecular consequence: synonymous variant.
Genome position (GRCh38, 1-based): chr3:126,989,415, C>T. VCF-style: chr3-126989415-C-T. GRCh37 (hg19) VCF-style: chr3-126708258-C-T.
Identifiers: ClinVar variation 3350745 (VCV003350745.1).
Genomic context (GRCh38, chr3:126,989,415, plus strand): 5'-GTTTGTCTACTACCTCACGCTGCAGCTAGACACACAGCTGACCTCGCCTGATGCCGCCGG[C>T]GAGCACTTCTTCACGTCCAAGATCGTGCGGCTCTGTGTGGACGACCCCAAATTCTACTCG-3'
Protein context (NP_115618.3, residues 264-284): DTQLTSPDAA[Gly274=]EHFFTSKIVR

ClinVar aggregate classification (germline): Likely benign (0 of 4 stars; one submission).

Conditions:
PLXNA1-related disorder. Also called: PLXNA1-related condition.

gnomAD v4.1: 25 of 1,613,472 alleles (0.0015%); highest among the groups gnomAD compares: Admixed American, 0.012%; no homozygotes.

Submission:

PreventionGenetics, part of Exact Sciences
Classification: Likely benign for PLXNA1-related condition. Last evaluated: 2023-09-14. Review status: no assertion criteria provided. Collection method: clinical testing. Allele origin: germline.
Comment: This variant is classified as likely benign based on ACMG/AMP sequence variant interpretation guidelines (Richards et al. 2015 PMID: 25741868, with internal and published modifications).